The following is an entry in ClinVar:

ClinVar aggregate classification (germline): Pathogenic (1 of 4 stars; one submission).

gnomAD v4.1: 1 of 1,551,798 alleles (0.000064%); highest among the groups gnomAD compares: South Asian, 0.0012%; no homozygotes.

Submission:

Labcorp Genetics (formerly Invitae), Labcorp
Classification: Pathogenic. Last evaluated: 2024-03-13. Review status: criteria provided, single submitter. Criteria: Invitae Variant Classification Sherloc (09022015). Collection method: clinical testing. Allele origin: germline.
Comment: This sequence change affects an acceptor splice site in intron 5 of the LOXHD1 gene. It is expected to disrupt RNA splicing. Variants that disrupt the donor or acceptor splice site typically lead to a loss of protein function (PMID: 16199547), and loss-of-function variants in LOXHD1 are known to be pathogenic (PMID: 19732867, 21465660, 25792669). This variant is not present in population databases (gnomAD no frequency). Disruption of this splice site has been observed in individuals with deafness (PMID: 32149082, 35711932). Algorithms developed to predict the effect of sequence changes on RNA splicing suggest that this variant may disrupt the consensus splice site. For these reasons, this variant has been classified as Pathogenic.

Literature cited by the submitters: PubMed 16199547; PubMed 19732867; PubMed 21465660; PubMed 25792669; PubMed 32149082; PubMed 35711932.

NM_001384474.1(LOXHD1):c.611-2A>G

Gene: LOXHD1 (lipoxygenase homology PLAT domains 1; minus strand). Cytogenetic location: 18q21.1.
Variant type: single nucleotide variant.
Coding change: c.611-2A>G on transcript NM_001384474.1 (MANE Select); the canonical splice acceptor site of the intron before coding-DNA position 611, A replaced by G.
Molecular consequence: splice acceptor variant.
Genome position (GRCh38, 1-based): chr18:46,610,926, T>C on the plus strand (A>G on the coding strand, the complement: LOXHD1 is on the minus strand). VCF-style: chr18-46610926-T-C. GRCh37 (hg19) VCF-style: chr18-44190889-T-C.
Other names: c.611-2A>G (NM_144612.7).
Identifiers: ClinVar variation 3632202 (VCV003632202.2).